The following is an entry in ClinVar:

ClinVar aggregate classification (germline): Pathogenic (1 of 4 stars; one submission).

Conditions:
Cardiac anomalies - developmental delay - facial dysmorphism syndrome (MRFACD). Also called: MED13L Syndrome; Impaired intellectual development and distinctive facial features with or without cardiac defects. Identifiers: Orphanet 369891, MedGen C5192431, MONDO:0014773, OMIM 616789.

Submission:

Genetic Metabolism Laboratory, West China Second University Hospital, Sichuan University
Classification: Pathogenic for Cardiac anomalies - developmental delay - facial dysmorphism syndrome. Last evaluated: 2021-02-05. Review status: criteria provided, single submitter. Criteria: ACMG Guidelines, 2015. Collection method: research. Allele origin: de novo. Affected: yes.
Comment: Not observed in large population cohorts (gnomAD). Frameshift variant predicted to result in protein truncation or nonsense-mediated decay (NMD) in a gene where loss-of-function is a known mechanism of disease.

NM_015335.5(MED13L):c.4218_4224dup (p.Leu1409fs)

Gene: MED13L (mediator complex subunit 13L; minus strand). Cytogenetic location: 12q24.21.
Variant type: Duplication.
Coding change: c.4218_4224dup on transcript NM_015335.5 (MANE Select); coding-DNA positions 4218 to 4224, 7 bases duplicated (GCTCTTG; older notation c.4218_4224dupGCTCTTG).
Protein change: p.Leu1409fs; shifts the reading frame from leucine 1409.
Molecular consequence: frameshift variant.
Genome position (GRCh38, 1-based): chr12:115,986,380-115,986,386, CAAGAGC duplicated on the plus strand (GCTCTTG on the coding strand, the reverse complement: MED13L is on the minus strand); duplicating any 7 consecutive bases within chr12:115,986,380-115,986,387 gives the same sequence; the c. name uses the placement nearest the transcript's 3' end. VCF-style (leftmost placement, unchanged base first): chr12-115986379-A-ACAAGAGC. GRCh37 (hg19) VCF-style: chr12-116424184-A-ACAAGAGC.
Other names: short protein forms L1409fs.
Identifiers: ClinVar variation 4526649 (VCV004526649.1).